The following is an entry in ClinVar:

ClinVar aggregate classification (germline): Conflicting classifications of pathogenicity. Review status: criteria provided, conflicting classifications (1 of 4 stars). 4 submissions from 4 submitters: Uncertain significance (3); Likely benign (1). Last evaluated 2026-06-03.

Conditions:
CHD7-related disorder. Also called: CHD7-related condition.
Inborn genetic diseases. Identifiers: MedGen C0950123, MeSH D030342.
CHARGE syndrome (CHARGE). Also called: Hittner Hirsch Kreh syndrome; CHARGE ASSOCIATION--COLOBOMA, HEART ANOMALY, CHOANAL ATRESIA, RETARDATION, GENITAL AND EAR ANOMALIES; Coloboma, heart anomaly, choanal atresia, retardation, genital and ear anomalies; CHARGE association; Hall-Hittner syndrome. Identifiers: Orphanet 138, MedGen C0265354, MONDO:0008965.

Allele frequency attached by ClinVar (database versions not stated): gnomAD exomes below 0.00001; gnomAD 0.00001; TOPMed 0.00001.
gnomAD v4.1: 8 of 1,613,858 alleles (0.0005%); highest among the groups gnomAD compares: Non-Finnish European, 0.00068%; no homozygotes.

Submissions (4):

Ambry Genetics
Classification: Uncertain significance for Inborn genetic diseases. Last evaluated: 2026-06-03. Review status: criteria provided, single submitter. Criteria: Ambry Variant Classification Scheme 2023. Collection method: clinical testing. Allele origin: germline.

Labcorp Genetics (formerly Invitae), Labcorp
Classification: Uncertain significance for CHARGE syndrome. Last evaluated: 2023-06-05. Review status: criteria provided, single submitter. Criteria: Invitae Variant Classification Sherloc (09022015). Collection method: clinical testing. Allele origin: germline.
Comment: This sequence change replaces valine, which is neutral and non-polar, with alanine, which is neutral and non-polar, at codon 1988 of the CHD7 protein (p.Val1988Ala). This variant is not present in population databases (gnomAD no frequency). This variant has not been reported in the literature in individuals affected with CHD7-related conditions. Advanced modeling of protein sequence and biophysical properties (such as structural, functional, and spatial information, amino acid conservation, physicochemical variation, residue mobility, and thermodynamic stability) performed at Invitae indicates that this missense variant is not expected to disrupt CHD7 protein function. ClinVar contains an entry for this variant (Variation ID: 1353986). In summary, the available evidence is currently insufficient to determine the role of this variant in disease. Therefore, it has been classified as a Variant of Uncertain Significance.

Blueprint Genetics
Classification: Likely benign. Last evaluated: 2023-04-11. Review status: criteria provided, single submitter. Criteria: ACMG Guidelines, 2015. Collection method: clinical testing. Allele origin: germline.

PreventionGenetics, part of Exact Sciences
Classification: Uncertain significance for CHD7-related condition. Last evaluated: 2022-10-12. Review status: criteria provided, single submitter. Criteria: ACMG Guidelines, 2015. Collection method: clinical testing. Allele origin: germline.
Comment: The CHD7 c.5963T>C variant is predicted to result in the amino acid substitution p.Val1988Ala. To our knowledge, this variant has not been reported in the literature or in a large population database, indicating this variant is rare. At this time, the clinical significance of this variant is uncertain due to the absence of conclusive functional and genetic evidence.

NM_017780.4(CHD7):c.5963T>C (p.Val1988Ala)

Gene: CHD7 (chromodomain helicase DNA binding protein 7; plus strand). Cytogenetic location: 8q12.2.
Variant type: single nucleotide variant.
Coding change: c.5963T>C on transcript NM_017780.4 (MANE Select); coding-DNA position 5963, T replaced by C.
Protein change: p.Val1988Ala; replaces valine 1988 with alanine.
Molecular consequence: missense variant. On other transcripts: intron variant (1).
Genome position (GRCh38, 1-based): chr8:60,852,566, T>C. VCF-style: chr8-60852566-T-C. GRCh37 (hg19) VCF-style: chr8-61765125-T-C.
Other names: c.1717-9663T>C (NM_001316690.1); short protein forms V1988A.
Identifiers: ClinVar variation 1353986 (VCV001353986.12), dbSNP rs1805501956, ClinGen allele CA371323806.